The following is an entry in ClinVar:

ClinVar aggregate classification (germline): Pathogenic. Review status: criteria provided, multiple submitters, no conflicts (2 of 4 stars). 2 submissions from 2 submitters: Pathogenic (2). Last evaluated 2024-09-05.

Conditions:
Tumor predisposition syndrome 3 (TPDS3). Also called: Melanoma, cutaneous malignant, susceptibility to, 10; Glioma susceptibility 9; LONG TELOMERE SYNDROME, POT1-RELATED; POT1 Tumor Predisposition. Identifiers: Orphanet 618, MedGen C4014476, MONDO:0014368, OMIM 615848.
Hereditary cancer-predisposing syndrome. Also called: Neoplastic Syndromes, Hereditary; Hereditary Cancer Syndrome; Hereditary neoplastic syndrome; Tumor predisposition. Identifiers: Orphanet 140162, MedGen C0027672, MeSH D009386, MONDO:0015356.

Submissions (2):

Ambry Genetics
Classification: Pathogenic for Hereditary cancer-predisposing syndrome. Last evaluated: 2024-09-05. Review status: criteria provided, single submitter. Criteria: Ambry Variant Classification Scheme 2023. Collection method: clinical testing. Allele origin: germline.
Comment: The c.777_781delAAGTT pathogenic mutation, located in coding exon 6 of the POT1 gene, results from a deletion of 5 nucleotides at nucleotide positions 777 to 781, causing a translational frameshift with a predicted alternate stop codon (p.L259Ffs*22). This variant is considered to be rare based on population cohorts in the Genome Aggregation Database (gnomAD). This alteration is expected to result in loss of function by premature protein truncation or nonsense-mediated mRNA decay. As such, this alteration is interpreted as a disease-causing mutation.

Labcorp Genetics (formerly Invitae), Labcorp
Classification: Pathogenic for Tumor predisposition syndrome 3. Last evaluated: 2021-07-29. Review status: criteria provided, single submitter. Criteria: Invitae Variant Classification Sherloc (09022015). Collection method: clinical testing. Allele origin: germline.
Comment: ClinVar contains an entry for this variant (Variation ID: 1057927). For these reasons, this variant has been classified as Pathogenic. This variant has not been reported in the literature in individuals affected with POT1-related conditions. This sequence change creates a premature translational stop signal (p.Leu259Phefs*22) in the POT1 gene. It is expected to result in an absent or disrupted protein product. Loss-of-function variants in POT1 are known to be pathogenic (PMID: 32155570). This variant is not present in population databases (ExAC no frequency).

Literature cited by the submitters: PubMed 32155570 (cited by Labcorp Genetics (formerly Invitae), Labcorp).

NM_015450.3(POT1):c.777_781del (p.Leu259fs)

Gene: POT1 (protection of telomeres 1; minus strand). Cytogenetic location: 7q31.33.
Variant type: Deletion.
Coding change: c.777_781del on transcript NM_015450.3 (MANE Select); coding-DNA positions 777 to 781, 5 bases deleted (AAGTT; older notation c.777_781delAAGTT).
Protein change: p.Leu259fs; shifts the reading frame from leucine 259.
Molecular consequence: frameshift variant. On other transcripts: non-coding transcript variant (3).
Genome position (GRCh38, 1-based): chr7:124,853,060-124,853,064, AACTT deleted on the plus strand (AAGTT on the coding strand, the reverse complement: POT1 is on the minus strand); deleting any 5 consecutive bases within chr7:124,853,060-124,853,067 gives the same sequence; the c. name uses the placement nearest the transcript's 3' end. VCF-style (leftmost placement, unchanged base first): chr7-124853059-AAACTT-A. GRCh37 (hg19) VCF-style: chr7-124493113-AAACTT-A.
Other names: c.777_781delAAGTT (NM_015450.2); c.384_388del, p.Leu128fs (NM_001042594.2); short protein forms L128fs, L259fs.
Identifiers: ClinVar variation 1057927 (VCV001057927.8), dbSNP rs2116504894, ClinGen allele CA2499218711.
Genomic context (GRCh38, chr7:124,853,059, plus strand): 5'-CTTTCTGGCAAGACCCTGATTCCCCGACCGTAACTGGTACCTCCATGAAGATGAAACTCT[AAACTT>A]AACATTGTCTGATTCTCTGAATTCATTGATTGAAGTTTGGTATGAAGGCTATAGATTCTA-3'